The following is an entry in ClinVar:

ClinVar aggregate classification (germline): Uncertain significance (1 of 4 stars; one submission).

Conditions:
ERCC2-related disorder. Also called: ERCC2-related conditions; ERCC2-related condition; ERCC2-related disorders. Identifiers: MedGen CN239291.

gnomAD v4.1: 2 of 1,613,844 alleles (0.00012%); highest among the groups gnomAD compares: Admixed American, 0.0017%; no homozygotes.

Submission:

Myriad Genetics, Inc.
Classification: Uncertain significance for ERCC2-related disorder. Last evaluated: 2026-06-26. Review status: criteria provided, single submitter. Criteria: Myriad Autosomal Dominant, Autosomal Recessive and X-Linked Classification Criteria (2023). Collection method: clinical testing. Allele origin: unknown.
Comment: NM_000400.3(ERCC2):c.2281T>C(*761Rext*7) is a stop-loss variant classified as a variant of uncertain significance in the context of ERCC2-related disorders. *761Rext*7 has not been observed in cases with relevant disease. Relevant functional assessments of this variant are not available in the literature. *761Rext*7 has not been observed in referenced population frequency databases. In summary, there is insufficient evidence to classify NM_000400.3(ERCC2):c.2281T>C(*761Rext*7) as pathogenic or benign. Please note: this variant was assessed in the context of healthy population screening.

NM_000400.4(ERCC2):c.2281T>C (p.Ter761Arg)

Gene: ERCC2 (ERCC excision repair 2, TFIIH core complex helicase subunit; minus strand). Cytogenetic location: 19q13.32.
Variant type: single nucleotide variant.
Coding change: c.2281T>C on transcript NM_000400.4 (MANE Select); coding-DNA position 2281, T replaced by C.
Protein change: p.Ter761Arg.
Molecular consequence: stop lost. On other transcripts: non-coding transcript variant (3).
Genome position (GRCh38, 1-based): chr19:45,351,631, A>G on the plus strand (T>C on the coding strand, the complement: ERCC2 is on the minus strand). VCF-style: chr19-45351631-A-G. GRCh37 (hg19) VCF-style: chr19-45854889-A-G.
Other names: c.2209T>C, p.Ter737Arg (NM_001440355.1); c.2203T>C, p.Ter735Arg (NM_001440356.1); c.2158T>C, p.Ter720Arg (NM_001440357.1).
Identifiers: ClinVar variation 5004754 (VCV005004754.1).